The following is an entry in ClinVar:

NM_019074.4(DLL4):c.329C>T (p.Thr110Ile)

Gene: DLL4 (delta like canonical Notch ligand 4; plus strand). Cytogenetic location: 15q15.1.
Variant type: single nucleotide variant.
Coding change: c.329C>T on transcript NM_019074.4 (MANE Select); coding-DNA position 329, C replaced by T.
Protein change: p.Thr110Ile; replaces threonine 110 with isoleucine.
Molecular consequence: missense variant.
Genome position (GRCh38, 1-based): chr15:40,930,109, C>T. VCF-style: chr15-40930109-C-T. GRCh37 (hg19) VCF-style: chr15-41222307-C-T.
Other names: short protein forms T110I.
Identifiers: ClinVar variation 3254751 (VCV003254751.1), dbSNP rs2542541573.

ClinVar aggregate classification (germline): Likely pathogenic (1 of 4 stars; one submission).

Conditions:
Adams-Oliver syndrome 6 (AOS6). Identifiers: Orphanet 974, MedGen C4225271, MONDO:0014703, OMIM 616589.

Submission:

Victorian Clinical Genetics Services, Murdoch Childrens Research Institute
Classification: Likely pathogenic for Adams-Oliver syndrome 6. Last evaluated: 2023-07-17. Review status: criteria provided, single submitter. Criteria: ACMG Guidelines, 2015. Collection method: clinical testing. Allele origin: germline. Inheritance: Autosomal dominant inheritance. Affected: yes.
Comment: Based on the classification scheme VCGS_Germline_v1.3.4, this variant is classified as Likely Pathogenic. Following criteria are met: 0102 - Loss of function is a known mechanism of disease in this gene and is associated with Adams-Oliver syndrome 6 (MIM#616589) (PMID: 33899511). (I) 0107 - This gene is associated with autosomal dominant disease. (I) 0200 - Variant is predicted to result in a missense amino acid change from threonine to isoleucine. (I) 0251 - This variant is heterozygous. (I) 0301 - Variant is absent from gnomAD (both v2 and v3). (SP) 0502 - Missense variant with conflicting in silico predictions or uninformative conservation. (I) 0603 - Missense variant in a region that is highly intolerant to missense variation (high constraint region in DECIPHER). (SP) 0705 - No comparable missense variants have previous evidence for pathogenicity. (I) 0807 - This variant has no previous evidence of pathogenicity. (I) 0905 - No published segregation evidence has been identified for this variant. (I) 1007 - No published functional evidence has been identified for this variant. (I) 1101 - Very strong and specific phenotype match for this individual. (SP) 1208 - Inheritance information for this variant is not currently available in this individual. (I) Legend: (SP) - Supporting pathogenic, (I) - Information, (SB) - Supporting benign

Literature cited by the submitters: PubMed 33899511.